The following is an entry in ClinVar:

ClinVar aggregate classification (germline): Uncertain significance (0 of 4 stars; one submission).

Allele frequency attached by ClinVar (database versions not stated): TOPMed below 0.00001; gnomAD exomes 0.00001 and 0.00004; ExAC 0.00007.
gnomAD v4.1: 23 of 1,600,136 alleles (0.0014%); highest among the groups gnomAD compares: South Asian, 0.021%; no homozygotes.

Submission:

Department of Pathology and Laboratory Medicine, Sinai Health System
Classification: Uncertain significance. Review status: no assertion criteria provided. Collection method: clinical testing. Allele origin: unknown. Affected: yes. Study: The Canadian Open Genetics Repository (COGR).
Comment: The GBE1 p.Ser374Leu variant was not identified in the literature nor was it identified in ClinVar or LOVD 3.0. The variant was identified in dbSNP (ID: rs776192396) and in control databases in 10 of 230734 chromosomes at a frequency of 0.00004334 (Genome Aggregation Database March 6, 2019, v2.1.1). The variant was observed in the following populations: South Asian in 8 of 27992 chromosomes (freq: 0.000286) and European (non-Finnish) in 2 of 103718 chromosomes (freq: 0.000019), but was not observed in the African, Latino, Ashkenazi Jewish, East Asian, European (Finnish), or Other populations. The p.Ser374 residue is conserved in mammals but not in more distantly related organisms, and four out of five computational analyses (PolyPhen-2, SIFT, AlignGVGD, BLOSUM, MutationTaster) suggest that the variant may impact the protein; however, this information is not predictive enough to assume pathogenicity. The variant occurs outside of the splicing consensus sequence and two of four in silico or computational prediction software programs (SpliceSiteFinder, MaxEntScan, NNSPLICE, GeneSplicer) predict a greater than 10% difference in splicing; this is not very predictive of pathogenicity. In summary, based on the above information the clinical significance of this variant cannot be determined with certainty at this time. This variant is classified as a variant of uncertain significance.

NM_000158.4(GBE1):c.1121C>T (p.Ser374Leu)

Gene: GBE1 (1,4-alpha-glucan branching enzyme 1; minus strand). Cytogenetic location: 3p12.2.
Variant type: single nucleotide variant.
Coding change: c.1121C>T on transcript NM_000158.4 (MANE Select); coding-DNA position 1121, C replaced by T.
Protein change: p.Ser374Leu; replaces serine 374 with leucine.
Molecular consequence: missense variant.
Genome position (GRCh38, 1-based): chr3:81,591,152, G>A on the plus strand (C>T on the coding strand, the complement: GBE1 is on the minus strand). VCF-style: chr3-81591152-G-A. GRCh37 (hg19) VCF-style: chr3-81640303-G-A.
Other names: short protein forms S374L.
Identifiers: ClinVar variation 1049732 (VCV001049732.1), dbSNP rs776192396, ClinGen allele CA2499776.
Genomic context (GRCh38, chr3:81,591,152, plus strand): 5'-ATGAGGTAAGTCAAGGCATCTTCATCTACTTGTAGTCCGAAATATTCACTGTAATCACCT[G>A]AGAAACCTTGACCTTAGAAAAAGAAAATCAATACGGATATATTATGTTAACAAGCAAGTC-3'
Protein context (NP_000149.4, residues 364-384): YHHHGVGQGF[Ser374Leu]GDYSEYFGLQ